The following is an entry in ClinVar:

ClinVar aggregate classification (germline): Uncertain significance. Review status: criteria provided, multiple submitters, no conflicts (2 of 4 stars). 2 submissions from 2 submitters: Uncertain significance (2). Last evaluated 2025-02-04.

Conditions:
Familial adenomatous polyposis 1 (FAP1). Also called: FAMILIAL ADENOMATOUS POLYPOSIS 1, ATTENUATED; POLYPOSIS, ADENOMATOUS INTESTINAL. Identifiers: MedGen C2713442, MONDO:0021056, OMIM 175100. Disease mechanism: loss of function.
Hereditary cancer-predisposing syndrome. Also called: Neoplastic Syndromes, Hereditary; Hereditary Cancer Syndrome; Tumor predisposition; Hereditary neoplastic syndrome. Identifiers: Orphanet 140162, MedGen C0027672, MeSH D009386, MONDO:0015356.

Allele frequency attached by ClinVar (database versions not stated): gnomAD exomes below 0.00001.
gnomAD v4.1: 1 of 1,613,648 alleles (0.000062%); highest among the groups gnomAD compares: Non-Finnish European, 0.000085%; no homozygotes.

Submissions (2):

Ambry Genetics
Classification: Uncertain significance for Hereditary cancer-predisposing syndrome. Last evaluated: 2025-02-04. Review status: criteria provided, single submitter. Criteria: Ambry Variant Classification Scheme 2023. Collection method: clinical testing. Allele origin: germline.
Comment: The p.N2402K variant (also known as c.7206T>G), located in coding exon 15 of the APC gene, results from a T to G substitution at nucleotide position 7206. The asparagine at codon 2402 is replaced by lysine, an amino acid with similar properties. This amino acid position is conserved. In addition, in silico predictors for this gene do not accurately predict pathogenicity. Missense alterations in APC are not a common cause of disease (Spier I et al. Genet Med. 2024 Feb;26(2):100992). Based on the available evidence, the clinical significance of this variant remains unclear.

Labcorp Genetics (formerly Invitae), Labcorp
Classification: Uncertain significance for Familial adenomatous polyposis 1. Last evaluated: 2018-06-04. Review status: criteria provided, single submitter. Criteria: Invitae Variant Classification Sherloc (09022015). Collection method: clinical testing. Allele origin: germline.
Comment: In summary, the available evidence is currently insufficient to determine the role of this variant in disease. Therefore, it has been classified as a Variant of Uncertain Significance. Algorithms developed to predict the effect of missense changes on protein structure and function are either unavailable or do not agree on the potential impact of this missense change (SIFT: "Tolerated"; PolyPhen-2: "Possibly Damaging"; Align-GVGD: "Class C0"). This variant has not been reported in the literature in individuals with APC-related disease. This variant is not present in population databases (ExAC no frequency). This sequence change replaces asparagine with lysine at codon 2402 of the APC protein (p.Asn2402Lys). The asparagine residue is highly conserved and there is a moderate physicochemical difference between asparagine and lysine.

NM_000038.6(APC):c.7206T>G (p.Asn2402Lys)

Gene: APC (APC regulator of Wnt signaling pathway; plus strand). Cytogenetic location: 5q22.2.
Variant type: single nucleotide variant.
Coding change: c.7206T>G on transcript NM_000038.6 (MANE Select); coding-DNA position 7206, T replaced by G.
Protein change: p.Asn2402Lys; replaces asparagine 2402 with lysine.
Molecular consequence: missense variant.
Genome position (GRCh38, 1-based): chr5:112,842,800, T>G. VCF-style: chr5-112842800-T-G. GRCh37 (hg19) VCF-style: chr5-112178497-T-G.
Other names: c.7206T>G, p.Asn2402Lys (NM_001127510.3, NM_001354895.2); c.7152T>G, p.Asn2384Lys (NM_001127511.3); c.7260T>G, p.Asn2420Lys (NM_001354896.2); c.7236T>G, p.Asn2412Lys (NM_001354897.2); c.7131T>G, p.Asn2377Lys (NM_001354898.2); c.7122T>G, p.Asn2374Lys (NM_001354899.2); c.7083T>G, p.Asn2361Lys (NM_001354900.2); c.7029T>G, p.Asn2343Lys (NM_001354901.2); and 5 more; short protein forms N2384K, N2402K, N2343K, N2301K, N2374K, N2420K, N2119K, N2276K.
Identifiers: ClinVar variation 583265 (VCV000583265.13), dbSNP rs1561613624, ClinGen allele CA16037023.
Genomic context (GRCh38, chr5:112,842,800, plus strand): 5'-AGGTTTATCCAAGAATGCCAGTAGTATTCCAAGAAGTGAGTCTGCCTCCAAAGGACTAAA[T>G]CAGATGAATAATGGTAATGGAGCCAATAAAAAGGTAGAACTTTCTAGAATGTCTTCAACT-3'
Protein context (NP_000029.2, residues 2392-2412): PRSESASKGL[Asn2402Lys]QMNNGNGANK